The following is an entry in ClinVar:

NM_014516.4(CNOT3):c.1736C>T (p.Pro579Leu)

Gene: CNOT3 (CCR4-NOT transcription complex subunit 3; plus strand). Cytogenetic location: 19q13.42.
Variant type: single nucleotide variant.
Coding change: c.1736C>T on transcript NM_014516.4 (MANE Select); coding-DNA position 1736, C replaced by T.
Protein change: p.Pro579Leu; replaces proline 579 with leucine.
Molecular consequence: missense variant.
Genome position (GRCh38, 1-based): chr19:54,152,458, C>T. VCF-style: chr19-54152458-C-T. GRCh37 (hg19) VCF-style: chr19-54656195-C-T.
Other names: short protein forms P579L.
Identifiers: ClinVar variation 1975726 (VCV001975726.6), dbSNP rs369127356, ClinGen allele CA309340574.
Genomic context (GRCh38, chr19:54,152,458, plus strand): 5'-GAGGGGGCCGGACCCCCACCCTCCCCACAGACATCATCCTGAGCAGTACATCAGCACCTC[C>T]GGCCTCAGCCCAGCCGCCCCTGCAGCTGTCAGAGGTGAACATACCGCTGTCGCTGGGTGT-3'
Protein context (NP_055331.1, residues 569-589): DIILSSTSAP[Pro579Leu]ASAQPPLQLS

ClinVar aggregate classification (germline): Uncertain significance. Review status: criteria provided, multiple submitters, no conflicts (2 of 4 stars). 2 submissions from 2 submitters: Uncertain significance (2). Last evaluated 2022-07-11.

Conditions:
Inborn genetic diseases. Identifiers: MedGen C0950123, MeSH D030342.

Allele frequency attached by ClinVar (database versions not stated): gnomAD exomes 0.00001; ExAC 0.00002; gnomAD 0.00002; TOPMed 0.00002; ESP Exome Variant Server 0.00008.
gnomAD v4.1: 13 of 1,614,076 alleles (0.00081%); highest among the groups gnomAD compares: Middle Eastern, 0.016%; no homozygotes.

Submissions (2):

Labcorp Genetics (formerly Invitae), Labcorp
Classification: Uncertain significance. Last evaluated: 2022-07-11. Review status: criteria provided, single submitter. Criteria: Invitae Variant Classification Sherloc (09022015). Collection method: clinical testing. Allele origin: germline.
Comment: In summary, the available evidence is currently insufficient to determine the role of this variant in disease. Therefore, it has been classified as a Variant of Uncertain Significance. Algorithms developed to predict the effect of missense changes on protein structure and function are either unavailable or do not agree on the potential impact of this missense change (SIFT: "Tolerated"; PolyPhen-2: "Possibly Damaging"; Align-GVGD: "Class C0"). This variant has not been reported in the literature in individuals affected with CNOT3-related conditions. This variant is present in population databases (rs369127356, gnomAD 0.007%). This sequence change replaces proline, which is neutral and non-polar, with leucine, which is neutral and non-polar, at codon 579 of the CNOT3 protein (p.Pro579Leu).

Ambry Genetics
Classification: Uncertain significance for Inborn genetic diseases. Last evaluated: 2021-02-09. Review status: criteria provided, single submitter. Criteria: Ambry Variant Classification Scheme 2023. Collection method: clinical testing. Allele origin: germline.
Comment: The c.1736C>T (p.P579L) alteration is located in exon 15 (coding exon 14) of the CNOT3 gene. This alteration results from a C to T substitution at nucleotide position 1736, causing the proline (P) at amino acid position 579 to be replaced by a leucine (L). The p.P579L alteration is predicted to be tolerated by in silico analysis. Based on insufficient or conflicting evidence, the clinical significance of this alteration remains unclear.